The following is an entry in ClinVar:

ClinVar aggregate classification (germline): Uncertain significance (1 of 4 stars; one submission).

Allele frequency attached by ClinVar (database versions not stated): TOPMed below 0.00001; ExAC 0.00001; gnomAD exomes 0.00001; gnomAD 0.00003.
gnomAD v4.1: 20 of 1,595,516 alleles (0.0013%); highest among the groups gnomAD compares: African/African-American, 0.011%; no homozygotes.

Submission:

Women's Health and Genetics/Laboratory Corporation of America, LabCorp
Classification: Uncertain significance. Last evaluated: 2024-01-22. Review status: criteria provided, single submitter. Criteria: LabCorp Variant Classification Summary - May 2015. Collection method: clinical testing. Allele origin: germline.
Comment: Variant summary: SLC44A4 c.242+14C>T alters a non-conserved nucleotide located at a position not widely known to affect splicing. Several computational tools predict a significant impact on normal splicing: Three predict the variant creates a 5' cryptic donor site. One predict the variant strengthens that 5' cryptic donor site. However, these predictions have yet to be confirmed by functional studies. The variant allele was found at a frequency of 1.3e-05 in 239456 control chromosomes, including 3 heterozygotes (gnomAD v2). The available data on variant occurrences in the general population are insufficient to allow any conclusion about variant significance. To our knowledge, no occurrence of c.242+14C>T in individuals affected with Hearing Loss, Autosomal Dominant 72 and no experimental evidence demonstrating its impact on protein function have been reported. No submitters have cited clinical-significance assessments for this variant to ClinVar. Based on the evidence outlined above, the variant was classified as VUS-possibly benign.

NM_025257.3(SLC44A4):c.242+14C>T

Gene: SLC44A4 (solute carrier family 44 member 4; minus strand). Cytogenetic location: 6p21.33.
Variant type: single nucleotide variant.
Coding change: c.242+14C>T on transcript NM_025257.3 (MANE Select); 14 bases into the intron after coding-DNA position 242, C replaced by T.
Molecular consequence: intron variant.
Genome position (GRCh38, 1-based): chr6:31,875,838, G>A on the plus strand (C>T on the coding strand, the complement: SLC44A4 is on the minus strand). VCF-style: chr6-31875838-G-A. GRCh37 (hg19) VCF-style: chr6-31843615-G-A.
Other names: c.242+14C>T (NM_001178044.2); c.14+14C>T (NM_001178045.2).
Identifiers: ClinVar variation 3063632 (VCV003063632.1), dbSNP rs768786299, ClinGen allele CA3725776.